The following is an entry in ClinVar:

ClinVar aggregate classification (germline): Uncertain significance. Review status: criteria provided, multiple submitters, no conflicts (2 of 4 stars). 2 submissions from 2 submitters: Uncertain significance (2). Last evaluated 2022-02-05.

Conditions:
Inborn genetic diseases. Identifiers: MedGen C0950123, MeSH D030342.
Charcot-Marie-Tooth disease axonal type 2O. Also called: Charcot-Marie-Tooth Neuropathy Type 2O; CHARCOT-MARIE-TOOTH NEUROPATHY, AXONAL, TYPE 2O; CHARCOT-MARIE-TOOTH DISEASE, AXONAL, AUTOSOMAL DOMINANT, TYPE 2O; Charcot-Marie-Tooth disease, axonal, type 20. Identifiers: Orphanet 284232, MedGen C3280220, MONDO:0013644, OMIM 614228.

Submissions (2):

Labcorp Genetics (formerly Invitae), Labcorp
Classification: Uncertain significance for Charcot-Marie-Tooth disease axonal type 2O. Last evaluated: 2022-02-05. Review status: criteria provided, single submitter. Criteria: Invitae Variant Classification Sherloc (09022015). Collection method: clinical testing. Allele origin: germline.
Comment: In summary, the available evidence is currently insufficient to determine the role of this variant in disease. Therefore, it has been classified as a Variant of Uncertain Significance. Algorithms developed to predict the effect of missense changes on protein structure and function (SIFT, PolyPhen-2, Align-GVGD) all suggest that this variant is likely to be tolerated. This variant has not been reported in the literature in individuals affected with DYNC1H1-related conditions. This variant is not present in population databases (gnomAD no frequency). This sequence change replaces glycine, which is neutral and non-polar, with arginine, which is basic and polar, at codon 951 of the DYNC1H1 protein (p.Gly951Arg).

Ambry Genetics
Classification: Uncertain significance for Inborn genetic diseases. Last evaluated: 2019-03-22. Review status: criteria provided, single submitter. Criteria: Ambry Variant Classification Scheme 2023. Collection method: clinical testing. Allele origin: germline.
Comment: The p.G951R variant (also known as c.2851G>A), located in coding exon 10 of the DYNC1H1 gene, results from a G to A substitution at nucleotide position 2851. The glycine at codon 951 is replaced by arginine, an amino acid with dissimilar properties. This amino acid position is highly conserved in available vertebrate species. In addition, the in silico prediction for this alteration is inconclusive. Since supporting evidence is limited at this time, the clinical significance of this alteration remains unclear.

NM_001376.5(DYNC1H1):c.2851G>A (p.Gly951Arg)

Gene: DYNC1H1 (dynein cytoplasmic 1 heavy chain 1; plus strand). Cytogenetic location: 14q32.31.
Variant type: single nucleotide variant.
Coding change: c.2851G>A on transcript NM_001376.5 (MANE Select); coding-DNA position 2851, G replaced by A.
Protein change: p.Gly951Arg; replaces glycine 951 with arginine.
Molecular consequence: missense variant.
Genome position (GRCh38, 1-based): chr14:101,988,835, G>A. VCF-style: chr14-101988835-G-A. GRCh37 (hg19) VCF-style: chr14-102455172-G-A.
Other names: short protein forms G951R.
Identifiers: ClinVar variation 1487896 (VCV001487896.10), dbSNP rs2141276704, ClinGen allele CA391029042.